The following is an entry in ClinVar:

NM_001429.4(EP300):c.3117G>A (p.Pro1039=)

Genes: EP300 (EP300 lysine acetyltransferase; plus strand), LOC126863158 (BRD4-independent group 4 enhancer GRCh37_chr22:41547383-41548582; plus strand). Cytogenetic location: 22q13.2.
Variant type: single nucleotide variant.
Coding change: c.3117G>A on transcript NM_001429.4 (MANE Select); coding-DNA position 3117, G replaced by A.
Protein change: p.Pro1039=; no amino-acid change (proline 1039 retained).
Molecular consequence: synonymous variant.
Genome position (GRCh38, 1-based): chr22:41,152,325, G>A. VCF-style: chr22-41152325-G-A. GRCh37 (hg19) VCF-style: chr22-41548329-G-A.
Other names: c.3039G>A, p.Pro1013= (NM_001362843.2).
Identifiers: ClinVar variation 3353816 (VCV003353816.2).

ClinVar aggregate classification (germline): Likely benign. Review status: criteria provided, single submitter (1 of 4 stars). 2 submissions from 2 submitters: Likely benign (1). 1 of the submissions does not count toward it. Last evaluated 2025-02-12.

Conditions:
EP300-related disorder. Also called: EP300-related condition; EP300-related disorders.
Rubinstein-Taybi syndrome due to EP300 haploinsufficiency. Also called: EP300-Related Rubinstein-Taybi Syndrome; RUBINSTEIN-TAYBI SYNDROME 2. Identifiers: Orphanet 353284, Orphanet 783, MedGen C3150941, MONDO:0013364, OMIM 613684.

gnomAD v4.1: 7 of 1,613,738 alleles (0.00043%); highest among the groups gnomAD compares: Non-Finnish European, 0.00059%; no homozygotes.

Submissions (2):

Labcorp Genetics (formerly Invitae), Labcorp
Classification: Likely benign for Rubinstein-Taybi syndrome due to EP300 haploinsufficiency. Last evaluated: 2025-02-12. Review status: criteria provided, single submitter. Criteria: Invitae Variant Classification Sherloc (09022015). Collection method: clinical testing. Allele origin: germline.

PreventionGenetics, part of Exact Sciences
Classification: Likely benign for EP300-related condition. Last evaluated: 2024-06-05. Review status: no assertion criteria provided. Collection method: clinical testing. Allele origin: germline. Not counted in ClinVar's aggregate classification.
Comment: This variant is classified as likely benign based on ACMG/AMP sequence variant interpretation guidelines (Richards et al. 2015 PMID: 25741868, with internal and published modifications).